The following is an entry in ClinVar:

ClinVar aggregate classification (germline): Uncertain significance (1 of 4 stars; one submission).

Conditions:
Lethal multiple pterygium syndrome (LMPS). Identifiers: Orphanet 33108, MedGen C1854678, MONDO:0009668, OMIM 253290.

Submission:

Labcorp Genetics (formerly Invitae), Labcorp
Classification: Uncertain significance for Lethal multiple pterygium syndrome. Last evaluated: 2022-11-23. Review status: criteria provided, single submitter. Criteria: Invitae Variant Classification Sherloc (09022015). Collection method: clinical testing. Allele origin: germline.
Comment: This sequence change replaces serine, which is neutral and polar, with cysteine, which is neutral and slightly polar, at codon 508 of the CHRND protein (p.Ser508Cys). This variant is not present in population databases (gnomAD no frequency). This variant has not been reported in the literature in individuals affected with CHRND-related conditions. Advanced modeling of protein sequence and biophysical properties (such as structural, functional, and spatial information, amino acid conservation, physicochemical variation, residue mobility, and thermodynamic stability) performed at Invitae indicates that this missense variant is not expected to disrupt CHRND protein function. In summary, the available evidence is currently insufficient to determine the role of this variant in disease. Therefore, it has been classified as a Variant of Uncertain Significance.

NM_000751.3(CHRND):c.1523C>G (p.Ser508Cys)

Gene: CHRND (cholinergic receptor nicotinic delta subunit; plus strand). Cytogenetic location: 2q37.1.
Variant type: single nucleotide variant.
Coding change: c.1523C>G on transcript NM_000751.3 (MANE Select); coding-DNA position 1523, C replaced by G.
Protein change: p.Ser508Cys; replaces serine 508 with cysteine.
Molecular consequence: missense variant.
Genome position (GRCh38, 1-based): chr2:232,535,281, C>G. VCF-style: chr2-232535281-C-G. GRCh37 (hg19) VCF-style: chr2-233399991-C-G.
Other names: c.1478C>G, p.Ser493Cys (NM_001256657.2); c.941C>G, p.Ser314Cys (NM_001311195.2); c.1220C>G, p.Ser407Cys (NM_001311196.2); short protein forms S314C, S407C, S508C, S493C.
Identifiers: ClinVar variation 2816007 (VCV002816007.3), dbSNP rs1338167509, ClinGen allele CA351006205.